The following is an entry in ClinVar:

ClinVar aggregate classification (germline): Pathogenic. Review status: criteria provided, multiple submitters, no conflicts (2 of 4 stars). 2 submissions from 2 submitters: Pathogenic (2). Last evaluated 2022-01-01.

Conditions:
Charlevoix-Saguenay spastic ataxia (SACS). Also called: SPASTIC ATAXIA 6, AUTOSOMAL RECESSIVE; AUTOSOMAL RECESSIVE SPASTIC ATAXIA OF CHARLEVOIX-SAGUENAY; Spastic ataxia of Charlevoix-Saguenay. Identifiers: Orphanet 98, MedGen C1849140, MONDO:0010041, OMIM 270550.

Submissions (2):

PROSPAX: an integrated multimodal progression  chart in spastic ataxias, Center for Neurology; Hertie-Institute for Clinical Brain Research
Classification: Pathogenic for Charlevoix-Saguenay spastic ataxia. Last evaluated: 2022-01-01. Review status: criteria provided, single submitter. Criteria: ACMG Guidelines, 2015. Collection method: research. Allele origin: germline. Affected: yes.
Comment: Variant seen in compound het: [c.10611A>G;c.8227del;c.4718T>G]

Paris Brain Institute, Inserm - ICM
Classification: Pathogenic for Charlevoix-Saguenay spastic ataxia. Review status: criteria provided, single submitter. Criteria: ACMG Guidelines, 2015. Collection method: clinical testing. Allele origin: unknown. Affected: yes. Observed: 1 variant allele.

NM_014363.6(SACS):c.4718T>G (p.Met1573Arg)

Gene: SACS (sacsin molecular chaperone; minus strand). Cytogenetic location: 13q12.12.
Variant type: single nucleotide variant.
Coding change: c.4718T>G on transcript NM_014363.6 (MANE Select); coding-DNA position 4718, T replaced by G.
Protein change: p.Met1573Arg; replaces methionine 1573 with arginine.
Molecular consequence: missense variant.
Genome position (GRCh38, 1-based): chr13:23,339,158, A>C on the plus strand (T>G on the coding strand, the complement: SACS is on the minus strand). VCF-style: chr13-23339158-A-C. GRCh37 (hg19) VCF-style: chr13-23913297-A-C.
Other names: c.4277T>G, p.Met1426Arg (NM_001278055.2); c.4718T>G (NM_014363.5); short protein forms M1426R, M1573R.
Identifiers: ClinVar variation 989206 (VCV000989206.2), dbSNP rs2137625077, ClinGen allele CA387527954.
Genomic context (GRCh38, chr13:23,339,158, plus strand): 5'-TTAATGTGTTTACTGATATGATTTATGTTTGGATCGAACATTATCATGAATTCCCGACTC[A>C]TAATGATGGGAATGTCAGTGATATGGTACACAGAATTAAATCCAAGACCAAATTTTCCAA-3'
Protein context (NP_055178.3, residues 1563-1583): VYHITDIPII[Met1573Arg]SREFMIMFDP